The following is an entry in ClinVar:

ClinVar aggregate classification (germline): Benign. Review status: criteria provided, multiple submitters, no conflicts (2 of 4 stars). 17 submissions from 12 submitters: Benign (14). 3 of the submissions do not count toward it. Last evaluated 2026-02-04.

Conditions:
Polydactyly. Also called: polydactylism. Identifiers: MedGen C0152427, MONDO:0021003, OMIM 603596, HP:0010442.
Greig cephalopolysyndactyly syndrome (GCPS). Also called: GLI3-Related Greig Cephalopolysyndactyly Syndrome; POLYSYNDACTYLY WITH PECULIAR SKULL SHAPE; Greig syndrome. Identifiers: Orphanet 380, MedGen C0265306, MONDO:0008287, OMIM 175700.
Pallister-Hall syndrome (PHS). Also called: HYPOTHALAMIC HAMARTOBLASTOMA, HYPOPITUITARISM, IMPERFORATE ANUS, AND POSTAXIAL POLYDACTYLY; GLI3-Related Pallister-Hall Syndrome. Identifiers: Orphanet 672, MedGen C0265220, MONDO:0007804, OMIM 146510.
Polydactyly, postaxial, type A1. Identifiers: MedGen C4282400, MONDO:0008266, OMIM 174200.
Polysyndactyly 4. Also called: Polysyndactyly uncomplicated; Preaxial polydactyly 4. Identifiers: Orphanet 93338, MedGen C1868111, MONDO:0008272, OMIM 174700.

Allele frequency attached by ClinVar (database versions not stated): ESP Exome Variant Server 0.25635; gnomAD 0.31467; TOPMed 0.32976; 1000 Genomes Project 30x 0.40959; 1000 Genomes Project 0.42153; ExAC 0.45580.
gnomAD v4.1: 542,232 of 1,567,904 alleles (35%); highest among the groups gnomAD compares: East Asian, 82%; 102,269 homozygotes.

Submissions (17):

Labcorp Genetics (formerly Invitae), Labcorp
Classification: Benign for Pallister-Hall syndrome; Greig cephalopolysyndactyly syndrome. Last evaluated: 2026-02-04. Review status: criteria provided, single submitter. Criteria: Invitae Variant Classification Sherloc (09022015). Collection method: clinical testing. Allele origin: germline.

Blueprint Genetics
Classification: Benign. Last evaluated: 2024-11-27. Review status: criteria provided, single submitter. Criteria: ACMG Guidelines, 2015. Collection method: clinical testing. Allele origin: germline.

Mayo Clinic Laboratories, Mayo Clinic
Classification: Benign. Last evaluated: 2022-11-15. Review status: criteria provided, single submitter. Criteria: ACMG Guidelines, 2015. Collection method: clinical testing. Allele origin: germline. Observed: 51 variant alleles.
Comment: BA1, BP4

Genome-Nilou Lab
Classification: Benign for Greig cephalopolysyndactyly syndrome. Last evaluated: 2021-08-10. Review status: criteria provided, single submitter. Criteria: ACMG Guidelines, 2015. Collection method: clinical testing. Allele origin: germline. Affected: no.

Genome-Nilou Lab
Classification: Benign for Pallister-Hall syndrome. Last evaluated: 2021-08-10. Review status: criteria provided, single submitter. Criteria: ACMG Guidelines, 2015. Collection method: clinical testing. Allele origin: germline. Affected: no.

Genome-Nilou Lab
Classification: Benign for Polydactyly, postaxial, type A1. Last evaluated: 2021-08-10. Review status: criteria provided, single submitter. Criteria: ACMG Guidelines, 2015. Collection method: clinical testing. Allele origin: germline. Affected: no.

Genome-Nilou Lab
Classification: Benign for Polysyndactyly 4. Last evaluated: 2021-08-10. Review status: criteria provided, single submitter. Criteria: ACMG Guidelines, 2015. Collection method: clinical testing. Allele origin: germline. Affected: no.

ARUP Laboratories, Molecular Genetics and Genomics, ARUP Laboratories
Classification: Benign. Last evaluated: 2020-05-20. Review status: criteria provided, single submitter. Criteria: ARUP Molecular Germline Variant Investigation Process. Collection method: clinical testing. Allele origin: germline.

Illumina Laboratory Services, Illumina
Classification: Benign for Greig cephalopolysyndactyly syndrome. Last evaluated: 2018-03-06. Review status: criteria provided, single submitter. Criteria: ICSL Variant Classification Criteria 13 December 2019. Collection method: clinical testing. Allele origin: germline.
Comment: This variant was observed in the ICSL laboratory as part of a predisposition screen in an ostensibly healthy population. It had not been previously curated by ICSL or reported in the Human Gene Mutation Database (HGMD: prior to June 1st, 2018), and was therefore a candidate for classification through an automated scoring system. Utilizing variant allele frequency, disease prevalence and penetrance estimates, and inheritance mode, an automated score was calculated to assess if this variant is too frequent to cause the disease. Based on the score and internal cut-off values, a variant classified as benign is not then subjected to further curation. The score for this variant resulted in a classification of benign for this disease.

Illumina Laboratory Services, Illumina
Classification: Benign for Polydactyly. Last evaluated: 2018-03-06. Review status: criteria provided, single submitter. Criteria: ICSL Variant Classification Criteria 13 December 2019. Collection method: clinical testing. Allele origin: germline.
Comment: the same text as in the submission from Illumina Laboratory Services, Illumina above.

Illumina Laboratory Services, Illumina
Classification: Benign for Pallister-Hall syndrome. Last evaluated: 2018-03-06. Review status: criteria provided, single submitter. Criteria: ICSL Variant Classification Criteria 13 December 2019. Collection method: clinical testing. Allele origin: germline.
Comment: the same text as in the submission from Illumina Laboratory Services, Illumina above.

Eurofins Ntd Llc (ga)
Classification: Benign. Last evaluated: 2016-02-23. Review status: criteria provided, single submitter. Criteria: EGL Classification Definitions 2015. Collection method: clinical testing. Allele origin: germline. Observed: 20 variant alleles, 15 heterozygotes, 5 homozygotes.

GeneDx
Classification: Benign. Last evaluated: 2015-03-03. Review status: criteria provided, single submitter. Criteria: GeneDx Variant Classification Process June 2021. Collection method: clinical testing. Allele origin: germline. Affected: yes.
Comment: This variant is associated with the following publications: (PMID: 22984994, 24278334, 17029207)

PreventionGenetics, part of Exact Sciences
Classification: Benign. Review status: criteria provided, single submitter. Criteria: ACMG Guidelines, 2015. Collection method: clinical testing. Allele origin: germline.

Clinical Genetics DNA and cytogenetics Diagnostics Lab, Erasmus MC, Erasmus Medical Center
Classification: Benign. Review status: no assertion criteria provided. Collection method: clinical testing. Allele origin: germline. Affected: yes. Study: VKGL Data-share Consensus. Not counted in ClinVar's aggregate classification.

Clinical Genetics, Academic Medical Center
Classification: Benign. Review status: no assertion criteria provided. Collection method: clinical testing. Allele origin: germline. Affected: yes. Study: VKGL Data-share Consensus. Not counted in ClinVar's aggregate classification.

Diagnostic Laboratory, Department of Genetics, University Medical Center Groningen
Classification: Benign. Review status: no assertion criteria provided. Collection method: clinical testing. Allele origin: germline. Affected: yes. Study: VKGL Data-share Consensus. Not counted in ClinVar's aggregate classification.

NM_000168.6(GLI3):c.2993C>T (p.Pro998Leu)

Gene: GLI3 (GLI family zinc finger 3; minus strand). Cytogenetic location: 7p14.1.
Variant type: single nucleotide variant.
Coding change: c.2993C>T on transcript NM_000168.6 (MANE Select); coding-DNA position 2993, C replaced by T.
Protein change: p.Pro998Leu; replaces proline 998 with leucine.
Molecular consequence: missense variant.
Genome position (GRCh38, 1-based): chr7:41,966,080, G>A on the plus strand (C>T on the coding strand, the complement: GLI3 is on the minus strand). VCF-style: chr7-41966080-G-A. GRCh37 (hg19) VCF-style: chr7-42005678-G-A.
Other names: short protein forms P998L.
Identifiers: ClinVar variation 255433 (VCV000255433.34), dbSNP rs929387, ClinGen allele CA4230480.